The following is an entry in ClinVar:

ClinVar aggregate classification (germline): Uncertain significance. Review status: criteria provided, multiple submitters, no conflicts (2 of 4 stars). 2 submissions from 2 submitters: Uncertain significance (2). Last evaluated 2024-11-13.

Conditions:
Hereditary cancer-predisposing syndrome. Also called: Tumor predisposition; Hereditary Cancer Syndrome; Neoplastic Syndromes, Hereditary; Hereditary neoplastic syndrome. Identifiers: Orphanet 140162, MedGen C0027672, MeSH D009386, MONDO:0015356.
Familial meningioma. Also called: Meningioma, familial, susceptibility to. Identifiers: Orphanet 263662, MedGen C3551915, MONDO:0011789, OMIM 607174.

Submissions (2):

Labcorp Genetics (formerly Invitae), Labcorp
Classification: Uncertain significance for Familial meningioma. Last evaluated: 2024-11-13. Review status: criteria provided, single submitter. Criteria: Invitae Variant Classification Sherloc (09022015). Collection method: clinical testing. Allele origin: germline.
Comment: This sequence change replaces glutamic acid, which is acidic and polar, with valine, which is neutral and non-polar, at codon 372 of the SMARCE1 protein (p.Glu372Val). This variant is not present in population databases (gnomAD no frequency). This variant has not been reported in the literature in individuals affected with SMARCE1-related conditions. ClinVar contains an entry for this variant (Variation ID: 1796128). Invitae Evidence Modeling of protein sequence and biophysical properties (such as structural, functional, and spatial information, amino acid conservation, physicochemical variation, residue mobility, and thermodynamic stability) indicates that this missense variant is expected to disrupt SMARCE1 protein function with a positive predictive value of 80%. In summary, the available evidence is currently insufficient to determine the role of this variant in disease. Therefore, it has been classified as a Variant of Uncertain Significance.

Ambry Genetics
Classification: Uncertain significance for Hereditary cancer-predisposing syndrome. Last evaluated: 2020-02-13. Review status: criteria provided, single submitter. Criteria: Ambry Variant Classification Scheme 2023. Collection method: clinical testing. Allele origin: germline.
Comment: The p.E372V variant (also known as c.1115A>T), located in coding exon 10 of the SMARCE1 gene, results from an A to T substitution at nucleotide position 1115. The glutamic acid at codon 372 is replaced by valine, an amino acid with dissimilar properties. This amino acid position is highly conserved in available vertebrate species. In addition, this alteration is predicted to be tolerated by in silico analysis. Since supporting evidence is limited at this time, the clinical significance of this alteration remains unclear.

NM_003079.5(SMARCE1):c.1115A>T (p.Glu372Val)

Gene: SMARCE1 (SWI/SNF related BAF chromatin remodeling complex subunit E1; minus strand). Cytogenetic location: 17q21.2.
Variant type: single nucleotide variant.
Coding change: c.1115A>T on transcript NM_003079.5 (MANE Select); coding-DNA position 1115, A replaced by T.
Protein change: p.Glu372Val; replaces glutamic acid 372 with valine.
Molecular consequence: missense variant.
Genome position (GRCh38, 1-based): chr17:40,628,906, T>A on the plus strand (A>T on the coding strand, the complement: SMARCE1 is on the minus strand). VCF-style: chr17-40628906-T-A. GRCh37 (hg19) VCF-style: chr17-38785158-T-A.
Other names: short protein forms E372V.
Identifiers: ClinVar variation 1796128 (VCV001796128.4), dbSNP rs2037061989, ClinGen allele CA399361332.